The following is an entry in ClinVar:

NM_000256.3(MYBPC3):c.3685A>G (p.Met1229Val)

Gene: MYBPC3 (myosin binding protein C3; minus strand). Cytogenetic location: 11p11.2.
Variant type: single nucleotide variant.
Coding change: c.3685A>G on transcript NM_000256.3 (MANE Select); coding-DNA position 3685, A replaced by G.
Protein change: p.Met1229Val; replaces methionine 1229 with valine.
Molecular consequence: missense variant.
Genome position (GRCh38, 1-based): chr11:47,332,201, T>C on the plus strand (A>G on the coding strand, the complement: MYBPC3 is on the minus strand). VCF-style: chr11-47332201-T-C. GRCh37 (hg19) VCF-style: chr11-47353752-T-C.
Other names: short protein forms M1229V.
Identifiers: ClinVar variation 164028 (VCV000164028.11), dbSNP rs727503169, ClinGen allele CA014628.

ClinVar aggregate classification (germline): Uncertain significance. Review status: criteria provided, multiple submitters, no conflicts (2 of 4 stars). 3 submissions from 3 submitters: Uncertain significance (3). Last evaluated 2024-08-30.

Conditions:
Cardiovascular phenotype. Identifiers: MedGen CN230736.
Hypertrophic cardiomyopathy. Also called: HYPERTROPHIC MYOCARDIOPATHY. Identifiers: Orphanet 217569, MedGen C0007194, MeSH D002312, MONDO:0005045, HP:0001639.

Allele frequency attached by ClinVar (database versions not stated): gnomAD 0.00001 and 0.00003; gnomAD exomes 0.00002 and 0.00004; TOPMed 0.00003.

Submissions (3):

Ambry Genetics
Classification: Uncertain significance for Cardiovascular phenotype. Last evaluated: 2024-08-30. Review status: criteria provided, single submitter. Criteria: Ambry Variant Classification Scheme 2023. Collection method: clinical testing. Allele origin: germline.
Comment: The p.M1229V variant (also known as c.3685A>G), located in coding exon 33 of the MYBPC3 gene, results from an A to G substitution at nucleotide position 3685. The methionine at codon 1229 is replaced by valine, an amino acid with highly similar properties. This alteration has been reported in a dilated cardiomyopathy (DCM) cohort (Mazzarotto F et al. Circulation, 2020 Feb;141:387-398). This amino acid position is not well conserved in available vertebrate species. In addition, this alteration is predicted to be tolerated by in silico analysis. Based on the available evidence, the clinical significance of this variant remains unclear.

Labcorp Genetics (formerly Invitae), Labcorp
Classification: Uncertain significance for Hypertrophic cardiomyopathy. Last evaluated: 2020-09-01. Review status: criteria provided, single submitter. Criteria: Invitae Variant Classification Sherloc (09022015). Collection method: clinical testing. Allele origin: germline.
Comment: This sequence change replaces methionine with valine at codon 1229 of the MYBPC3 protein (p.Met1229Val). The methionine residue is highly conserved and there is a small physicochemical difference between methionine and valine. This variant is not present in population databases (ExAC no frequency). In summary, the available evidence is currently insufficient to determine the role of this variant in disease. Therefore, it has been classified as a Variant of Uncertain Significance. Algorithms developed to predict the effect of missense changes on protein structure and function (SIFT, PolyPhen-2, Align-GVGD) all suggest that this variant is likely to be tolerated, but these predictions have not been confirmed by published functional studies and their clinical significance is uncertain. This variant has not been reported in the literature in individuals with MYBPC3-related conditions. ClinVar contains an entry for this variant (Variation ID: 164028).

Laboratory for Molecular Medicine, Mass General Brigham Personalized Medicine
Classification: Uncertain significance. Last evaluated: 2014-08-07. Review status: criteria provided, single submitter. Criteria: LMM Criteria. Collection method: clinical testing. Allele origin: germline. Observed: 1 variant allele.
Comment: The Met1229Val variant in MYBPC3 has not been previously reported in any other f amilies with cardiomyopathy or in large population studies. Computational predic tion tools and conservation analysis suggest that the Met1229Val variant may not impact the protein, though this information is not predictive enough to rule ou t pathogenicity. In summary, the clinical significance of the Met1229Val variant is uncertain.

Literature cited by the submitters: PubMed 31983221 (cited by Ambry Genetics).